The following is an entry in ClinVar:

NC_000016.10:g.23635495_23635496delinsAGA

Gene: PALB2 (partner and localizer of BRCA2; minus strand). Cytogenetic location: 16p12.2.
Variant type: Indel.
Genome position: GRCh38 VCF-style: chr16-23635495-TT-AGA. GRCh37 (hg19) VCF-style: chr16-23646816-TT-AGA.
Other names: c.1050_1051delinsTCT, p.Gln350fs (LRG_308t1).
Identifiers: ClinVar variation 126585 (VCV000126585.3), dbSNP rs180177098, ClinGen allele CA269478.

ClinVar aggregate classification (germline): Pathogenic (0 of 4 stars; one submission).

Conditions:
Familial cancer of breast. Also called: BREAST CANCER, FAMILIAL; hereditary breast carcinoma; Hereditary breast cancer. Identifiers: Orphanet 227535, MedGen C0346153, MONDO:0016419, OMIM 114480. Disease mechanism: loss of function.

Submission:

Leiden Open Variation Database
Classification: Pathogenic for Familial cancer of breast. Last evaluated: 2019-05-13. Review status: no assertion criteria provided. Collection method: curation. Allele origin: germline. Affected: yes.
Comment: Curators: Marc Tischkowitz, Arleen D. Auerbach. Submitter to LOVD: Marc Tischkowitz.

Literature cited by the submitters: PubMed 18446436; PubMed 19264984.